The following is an entry in ClinVar:

ClinVar aggregate classification (germline): Uncertain significance. Review status: criteria provided, multiple submitters, no conflicts (2 of 4 stars). 2 submissions from 2 submitters: Uncertain significance (2). Last evaluated 2025-06-07.

Conditions:
Inborn genetic diseases. Identifiers: MedGen C0950123, MeSH D030342.

Allele frequency attached by ClinVar (database versions not stated): gnomAD exomes below 0.00001; TOPMed 0.00001; ESP Exome Variant Server 0.00019.
gnomAD v4.1: 1 of 1,189,414 alleles (0.000084%); highest among the groups gnomAD compares: Non-Finnish European, 0.00011%; no homozygotes.

Submissions (2):

Ambry Genetics
Classification: Uncertain significance for Inborn genetic diseases. Last evaluated: 2025-06-07. Review status: criteria provided, single submitter. Criteria: Ambry Variant Classification Scheme 2023. Collection method: clinical testing. Allele origin: germline.

Greenwood Genetic Center Diagnostic Laboratories, Greenwood Genetic Center
Classification: Uncertain significance. Last evaluated: 2024-03-06. Review status: criteria provided, single submitter. Criteria: ACMG Guidelines, 2015. Collection method: clinical testing. Allele origin: germline. Affected: yes.
Comment: PM2

NM_001079872.2(CUL4B):c.1189C>T (p.His397Tyr)

Gene: CUL4B (cullin 4B; minus strand). Cytogenetic location: Xq24.
Variant type: single nucleotide variant.
Coding change: c.1189C>T on transcript NM_001079872.2 (MANE Select); coding-DNA position 1189, C replaced by T.
Protein change: p.His397Tyr; replaces histidine 397 with tyrosine.
Molecular consequence: missense variant.
Genome position (GRCh38, 1-based): chrX:120,543,794, G>A on the plus strand (C>T on the coding strand, the complement: CUL4B is on the minus strand). VCF-style: chrX-120543794-G-A. GRCh37 (hg19) VCF-style: chrX-119677649-G-A.
Other names: c.1204C>T, p.His402Tyr (NM_001330624.2); c.655C>T, p.His219Tyr (NM_001369145.1); c.1243C>T, p.His415Tyr (NM_003588.4); short protein forms H219Y, H397Y, H402Y, H415Y.
Identifiers: ClinVar variation 3235783 (VCV003235783.2), dbSNP rs151254898, ClinGen allele CA334124984.
Genomic context (GRCh38, chrX:120,543,794, plus strand): 5'-TCTGATCTAAGTAAGTAATAAGTCTGTCTGCTTCTTCTTCTAGACGTTTGTTAACATGAT[G>A]TAGATATTCAGGAACCTACAAAGATAGTTTTTTACATTATTGTTTTCCTCCCCATAAATC-3'
Protein context (NP_001073341.1, residues 387-407): MQEREVPEYL[His397Tyr]HVNKRLEEEA